The following is an entry in ClinVar:

ClinVar aggregate classification (germline): Uncertain significance. Review status: criteria provided, multiple submitters, no conflicts (2 of 4 stars). 3 submissions from 3 submitters: Uncertain significance (2). 1 of the submissions does not count toward it. Last evaluated 2022-08-09.

Allele frequency attached by ClinVar (database versions not stated): gnomAD exomes below 0.00001.

Submissions (3):

GeneDx
Classification: Uncertain significance. Last evaluated: 2022-08-09. Review status: criteria provided, single submitter. Criteria: GeneDx Variant Classification Process June 2021. Collection method: clinical testing. Allele origin: germline. Affected: yes.
Comment: Reported with a second variant (phase unknown) in a patient with inherited retinal disease in published literature (Jespersgaard et al., 2019); clinical information not provided; Not observed at significant frequency in large population cohorts (gnomAD); In silico analysis supports that this missense variant has a deleterious effect on protein structure/function; This variant is associated with the following publications: (PMID: 30718709)

Blueprint Genetics
Classification: Uncertain significance. Last evaluated: 2019-04-25. Review status: criteria provided, single submitter. Criteria: ACMG Guidelines, 2015. Collection method: clinical testing. Allele origin: germline.

Department of Clinical Genetics, Copenhagen University Hospital, Rigshospitalet
Classification: Uncertain significance. Last evaluated: 2018-04-01. Review status: no assertion criteria provided. Collection method: research. Allele origin: unknown. Affected: yes. Study: VeluxRD. Not counted in ClinVar's aggregate classification.

Literature cited by the submitters: PubMed 30718709 (cited by Department of Clinical Genetics, Copenhagen University Hospital, Rigshospitalet).

NM_000260.4(MYO7A):c.1838A>G (p.Gln613Arg)

Gene: MYO7A (myosin VIIA; plus strand). Cytogenetic location: 11q13.5.
Variant type: single nucleotide variant.
Coding change: c.1838A>G on transcript NM_000260.4 (MANE Select); coding-DNA position 1838, A replaced by G.
Protein change: p.Gln613Arg; replaces glutamine 613 with arginine.
Molecular consequence: missense variant.
Genome position (GRCh38, 1-based): chr11:77,172,788, A>G. VCF-style: chr11-77172788-A-G. GRCh37 (hg19) VCF-style: chr11-76883834-A-G.
Other names: c.1838A>G, p.Gln613Arg (NM_001127180.2); c.1805A>G, p.Gln602Arg (NM_001369365.1); short protein forms Q613R, Q602R.
Identifiers: ClinVar variation 636221 (VCV000636221.4), dbSNP rs1591338772, ClinGen allele CA381938324.
Genomic context (GRCh38, chr11:77,172,788, plus strand): 5'-GCTGCCGTCCGTCCCCCCAGGGCGCCGAGACCAGGAAGCGCTCGCCCACACTTAGCAGCC[A>G]GTTCAAGCGGTCACTGGAGCTGCTGATGCGCACGCTGGGTGCCTGCCAGCCCTTCTTTGT-3'
Protein context (NP_000251.3, residues 603-623): TRKRSPTLSS[Gln613Arg]FKRSLELLMR